The following is an entry in ClinVar:

ClinVar aggregate classification (germline): Uncertain significance (1 of 4 stars; one submission).

Submission:

CeGaT Center for Human Genetics Tuebingen
Classification: Uncertain significance. Last evaluated: 2025-10-01. Review status: criteria provided, single submitter. Criteria: CeGaT Center For Human Genetics Tuebingen Variant Classification Criteria Version 2. Collection method: clinical testing. Allele origin: germline. Affected: yes. Observed: 1 variant allele.
Comment: SNRNP200: PM2

NM_014014.5(SNRNP200):c.3391_3392delinsAG (p.Gln1131Arg)

Gene: SNRNP200 (small nuclear ribonucleoprotein U5 subunit 200; minus strand). Cytogenetic location: 2q11.2.
Variant type: Indel.
Coding change: c.3391_3392delinsAG on transcript NM_014014.5 (MANE Select); coding-DNA positions 3391 to 3392, CA replaced by AG.
Protein change: p.Gln1131Arg; replaces glutamine 1131 with arginine.
Molecular consequence: missense variant.
Genome position (GRCh38, 1-based): chr2:96,287,531-96,287,532, TG replaced by CT on the plus strand (CA replaced by AG on the coding strand, the reverse complement: SNRNP200 is on the minus strand). VCF-style: chr2-96287531-TG-CT. GRCh37 (hg19) VCF-style: chr2-96953269-TG-CT.
Other names: short protein forms Q1131R.
Identifiers: ClinVar variation 4535429 (VCV004535429.6).